The following is an entry in ClinVar:

ClinVar aggregate classification (germline): Uncertain significance (1 of 4 stars; one submission).

gnomAD v4.1: 2 of 1,608,912 alleles (0.00012%); highest among the groups gnomAD compares: Non-Finnish European, 0.00017%; no homozygotes.

Submission:

Labcorp Genetics (formerly Invitae), Labcorp
Classification: Uncertain significance. Last evaluated: 2025-06-11. Review status: criteria provided, single submitter. Criteria: Invitae Variant Classification Sherloc (09022015). Collection method: clinical testing. Allele origin: germline.
Comment: This sequence change replaces glutamic acid, which is acidic and polar, with valine, which is neutral and non-polar, at codon 1297 of the CHD4 protein (p.Glu1297Val). This variant is present in population databases (rs776709332, gnomAD 0.0009%). This variant has not been reported in the literature in individuals affected with CHD4-related conditions. Invitae Evidence Modeling of protein sequence and biophysical properties (such as structural, functional, and spatial information, amino acid conservation, physicochemical variation, residue mobility, and thermodynamic stability) indicates that this missense variant is not expected to disrupt CHD4 protein function with a negative predictive value of 80%. In summary, the available evidence is currently insufficient to determine the role of this variant in disease. Therefore, it has been classified as a Variant of Uncertain Significance.

NM_001273.5(CHD4):c.3890A>T (p.Glu1297Val)

Genes: CHD4 (chromodomain helicase DNA binding protein 4; minus strand), CHD4-AS1 (CHD4 antisense RNA 1; plus strand). Cytogenetic location: 12p13.31.
Variant type: single nucleotide variant.
Coding change: c.3890A>T on transcript NM_001273.5 (MANE Select); coding-DNA position 3890, A replaced by T.
Protein change: p.Glu1297Val; replaces glutamic acid 1297 with valine.
Molecular consequence: missense variant. On other transcripts: non-coding transcript variant (2).
Genome position (GRCh38, 1-based): chr12:6,583,368, T>A on the plus strand (A>T on the coding strand, the complement: CHD4 is on the minus strand). VCF-style: chr12-6583368-T-A. GRCh37 (hg19) VCF-style: chr12-6692534-T-A.
Other names: c.3869A>T, p.Glu1290Val (NM_001297553.2); c.3851A>T, p.Glu1284Val (NM_001363606.2); short protein forms E1284V, E1290V, E1297V.
Identifiers: ClinVar variation 4751739 (VCV004751739.1).